The following is an entry in ClinVar:

NM_004364.5(CEBPA):c.261G>T (p.Gln87His)

Gene: CEBPA (CCAAT enhancer binding protein alpha; minus strand). Cytogenetic location: 19q13.11.
Variant type: single nucleotide variant.
Coding change: c.261G>T on transcript NM_004364.5 (MANE Select); coding-DNA position 261, G replaced by T.
Protein change: p.Gln87His; replaces glutamine 87 with histidine.
Molecular consequence: missense variant. On other transcripts: 5 prime UTR variant (1).
Genome position (GRCh38, 1-based): chr19:33,302,154, C>A on the plus strand (G>T on the coding strand, the complement: CEBPA is on the minus strand). VCF-style: chr19-33302154-C-A. GRCh37 (hg19) VCF-style: chr19-33793060-C-A.
Other names: c.261G>T (NM_004364.3); c.-97G>T (NM_001285829.2); c.366G>T, p.Gln122His (NM_001287424.2); c.219G>T, p.Gln73His (NM_001287435.2); short protein forms Q87H, Q122H, Q73H.
Identifiers: ClinVar variation 570045 (VCV000570045.10), dbSNP rs868242502, ClinGen allele CA307844393.

ClinVar aggregate classification (germline): Conflicting classifications of pathogenicity. Review status: criteria provided, conflicting classifications (1 of 4 stars). 3 submissions from 3 submitters: Uncertain significance (2); Likely benign (1). Last evaluated 2025-06-02.

Conditions:
Acute myeloid leukemia (AML). Also called: Leukemia, acute myeloid, somatic; Leukemia, acute myelogenous, somatic; Acute myeloid leukemia, adult; AML adult; Acute non-lymphocytic leukemia; Acute granulocytic leukemia. Identifiers: Orphanet 519, MedGen C0023467, MeSH D015470, MONDO:0018874, OMIM 601626, HP:0004808. Disease mechanism: Constitutively activated FLT3.
Inborn genetic diseases. Identifiers: MedGen C0950123, MeSH D030342.

Allele frequency attached by ClinVar (database versions not stated): gnomAD exomes below 0.00001; gnomAD 0.00001 and 0.00002; TOPMed 0.00001.

Submissions (3):

GeneDx
Classification: Uncertain significance. Last evaluated: 2025-06-02. Review status: criteria provided, single submitter. Criteria: GeneDx Variant Classification Process June 2021. Collection method: clinical testing. Allele origin: germline. Affected: yes.
Comment: Not observed at significant frequency in large population cohorts (gnomAD); In silico analysis suggests that this missense variant does not alter protein structure/function; Has not been previously published as pathogenic or benign to our knowledge; This variant is associated with the following publications: (PMID: 21455213)

Ambry Genetics
Classification: Likely benign for Inborn genetic diseases. Last evaluated: 2025-01-13. Review status: criteria provided, single submitter. Criteria: Ambry Variant Classification Scheme 2023. Collection method: clinical testing. Allele origin: germline.

Labcorp Genetics (formerly Invitae), Labcorp
Classification: Uncertain significance for Acute myeloid leukemia. Last evaluated: 2024-01-25. Review status: criteria provided, single submitter. Criteria: Invitae Variant Classification Sherloc (09022015). Collection method: clinical testing. Allele origin: germline.
Comment: This sequence change replaces glutamine, which is neutral and polar, with histidine, which is basic and polar, at codon 87 of the CEBPA protein (p.Gln87His). This variant is not present in population databases (gnomAD no frequency). This variant has not been reported in the literature in individuals affected with CEBPA-related conditions. ClinVar contains an entry for this variant (Variation ID: 570045). Advanced modeling of protein sequence and biophysical properties (such as structural, functional, and spatial information, amino acid conservation, physicochemical variation, residue mobility, and thermodynamic stability) performed at Invitae indicates that this missense variant is not expected to disrupt CEBPA protein function with a negative predictive value of 80%. In summary, the available evidence is currently insufficient to determine the role of this variant in disease. Therefore, it has been classified as a Variant of Uncertain Significance.